The following is an entry in ClinVar:

NM_015295.3(SMCHD1):c.4700A>G (p.Asn1567Ser)

Gene: SMCHD1 (structural maintenance of chromosomes flexible hinge domain containing 1; plus strand). Cytogenetic location: 18p11.32.
Variant type: single nucleotide variant.
Coding change: c.4700A>G on transcript NM_015295.3 (MANE Select); coding-DNA position 4700, A replaced by G.
Protein change: p.Asn1567Ser; replaces asparagine 1567 with serine.
Molecular consequence: missense variant.
Genome position (GRCh38, 1-based): chr18:2,763,770, A>G. VCF-style: chr18-2763770-A-G. GRCh37 (hg19) VCF-style: chr18-2763768-A-G.
Other names: c.4700A>G (NM_015295.2); short protein forms N1567S.
Identifiers: ClinVar variation 808342 (VCV000808342.51), dbSNP rs750920961, ClinGen allele CA8871547.
Genomic context (GRCh38, chr18:2,763,770, plus strand): 5'-AAGATACTGATACCCCACTTTTTATTGGGAAAGTTAGAACACTTGAATTCCCCTTCGTGA[A>G]TGGTTCGGCTGAAATCATGGTAAATTTTTTATATCTTTTGGTAGATAGAATTTCTGTATT-3'
Protein context (NP_056110.2, residues 1557-1577): KVRTLEFPFV[Asn1567Ser]GSAEIMSLVL

ClinVar aggregate classification (germline): Uncertain significance. Review status: criteria provided, multiple submitters, no conflicts (2 of 4 stars). 3 submissions from 3 submitters: Uncertain significance (3). Last evaluated 2025-05-28.

Conditions:
Facioscapulohumeral muscular dystrophy 2 (FSHD2). Also called: MUSCULAR DYSTROPHY, FACIOSCAPULOHUMERAL, TYPE 1B; FACIOSCAPULOHUMERAL MUSCULAR DYSTROPHY 2, DIGENIC; FSHD2, DIGENIC. Identifiers: Orphanet 269, MedGen C1834671, MONDO:0008031, OMIM 158901.

Allele frequency attached by ClinVar (database versions not stated): gnomAD exomes 0.00001 and 0.00002; TOPMed 0.00001; ExAC 0.00002.
gnomAD v4.1: 20 of 1,609,242 alleles (0.0012%); highest among the groups gnomAD compares: Middle Eastern, 0.017%; no homozygotes.

Submissions (3):

Labcorp Genetics (formerly Invitae), Labcorp
Classification: Uncertain significance for Facioscapulohumeral muscular dystrophy 2. Last evaluated: 2025-05-28. Review status: criteria provided, single submitter. Criteria: Invitae Variant Classification Sherloc (09022015). Collection method: clinical testing. Allele origin: germline.
Comment: This sequence change replaces asparagine, which is neutral and polar, with serine, which is neutral and polar, at codon 1567 of the SMCHD1 protein (p.Asn1567Ser). This variant is present in population databases (rs750920961, gnomAD 0.005%). This variant has not been reported in the literature in individuals affected with SMCHD1-related conditions. ClinVar contains an entry for this variant (Variation ID: 808342). Invitae Evidence Modeling of protein sequence and biophysical properties (such as structural, functional, and spatial information, amino acid conservation, physicochemical variation, residue mobility, and thermodynamic stability) indicates that this missense variant is not expected to disrupt SMCHD1 protein function with a negative predictive value of 80%. In summary, the available evidence is currently insufficient to determine the role of this variant in disease. Therefore, it has been classified as a Variant of Uncertain Significance.

Revvity Omics, Revvity
Classification: Uncertain significance. Last evaluated: 2023-02-15. Review status: criteria provided, single submitter. Criteria: ACMG Guidelines, 2015. Collection method: clinical testing. Allele origin: germline.

CeGaT Center for Human Genetics Tuebingen
Classification: Uncertain significance. Last evaluated: 2019-04-01. Review status: criteria provided, single submitter. Criteria: CeGaT Center For Human Genetics Tuebingen Variant Classification Criteria Version 2. Collection method: clinical testing. Allele origin: germline. Affected: yes. Observed: 1 variant allele.